The following is an entry in ClinVar:

ClinVar aggregate classification (germline): Uncertain significance. Review status: criteria provided, multiple submitters, no conflicts (2 of 4 stars). 5 submissions from 5 submitters: Uncertain significance (5). Last evaluated 2026-06-09.

Conditions:
TMEM126A-related disorder. Also called: TMEM126A-related condition.

Allele frequency attached by ClinVar (database versions not stated): TOPMed 0.00008; gnomAD 0.00013 and 0.00014; ESP Exome Variant Server 0.00015; ExAC 0.00017; gnomAD exomes 0.00018 and 0.00026.
gnomAD v4.1: 387 of 1,612,344 alleles (0.024%); highest among the groups gnomAD compares: Non-Finnish European, 0.029%; no homozygotes.

Submissions (5):

PreventionGenetics, part of Exact Sciences
Classification: Uncertain significance for TMEM126A-related condition. Last evaluated: 2026-06-09. Review status: criteria provided, single submitter. Criteria: ACMG Guidelines, 2015. Collection method: clinical testing. Allele origin: germline.
Comment: The TMEM126A c.431T>C variant is predicted to result in the amino acid substitution p.Ile144Thr. To our knowledge, this variant has not been reported in the literature. This variant is reported in 0.077% of alleles in individuals of Ashkenazi Jewish descent in gnomAD, which may be too frequent to be a primary cause of disease. Although we suspect that this variant may be benign, at this time, the clinical significance of this variant is uncertain due to the absence of conclusive functional and genetic evidence.

Ambry Genetics
Classification: Uncertain significance. Last evaluated: 2025-08-22. Review status: criteria provided, single submitter. Criteria: Ambry Variant Classification Scheme 2023. Collection method: clinical testing. Allele origin: germline.

Blueprint Genetics
Classification: Uncertain significance. Last evaluated: 2024-11-18. Review status: criteria provided, single submitter. Criteria: ACMG Guidelines, 2015. Collection method: clinical testing. Allele origin: germline.

Labcorp Genetics (formerly Invitae), Labcorp
Classification: Uncertain significance. Last evaluated: 2024-11-18. Review status: criteria provided, single submitter. Criteria: Invitae Variant Classification Sherloc (09022015). Collection method: clinical testing. Allele origin: germline.
Comment: This sequence change replaces isoleucine, which is neutral and non-polar, with threonine, which is neutral and polar, at codon 144 of the TMEM126A protein (p.Ile144Thr). This variant is present in population databases (rs367886918, gnomAD 0.07%). This variant has not been reported in the literature in individuals affected with TMEM126A-related conditions. ClinVar contains an entry for this variant (Variation ID: 938215). An algorithm developed to predict the effect of missense changes on protein structure and function (PolyPhen-2) suggests that this variant¬†is likely to be tolerated. In summary, the available evidence is currently insufficient to determine the role of this variant in disease. Therefore, it has been classified as a Variant of Uncertain Significance.

GeneDx
Classification: Uncertain significance. Last evaluated: 2021-10-06. Review status: criteria provided, single submitter. Criteria: GeneDx Variant Classification Process June 2021. Collection method: clinical testing. Allele origin: germline. Affected: yes.
Comment: In silico analysis supports that this missense variant has a deleterious effect on protein structure/function; Has not been previously published as pathogenic or benign to our knowledge

NM_032273.4(TMEM126A):c.431T>C (p.Ile144Thr)

Gene: TMEM126A (transmembrane protein 126A; plus strand). Cytogenetic location: 11q14.1.
Variant type: single nucleotide variant.
Coding change: c.431T>C on transcript NM_032273.4 (MANE Select); coding-DNA position 431, T replaced by C.
Protein change: p.Ile144Thr; replaces isoleucine 144 with threonine.
Molecular consequence: missense variant.
Genome position (GRCh38, 1-based): chr11:85,656,344, T>C. VCF-style: chr11-85656344-T-C. GRCh37 (hg19) VCF-style: chr11-85367388-T-C.
Other names: c.221T>C, p.Ile74Thr (NM_001244735.2); short protein forms I74T, I144T.
Identifiers: ClinVar variation 938215 (VCV000938215.13), dbSNP rs367886918, ClinGen allele CA6212814.